The following is an entry in ClinVar:

NM_001164508.2(NEB):c.24993_25000del (p.Ile8332fs)

Genes: NEB (nebulin; minus strand), RIF1 (replication timing regulatory factor 1; plus strand). Cytogenetic location: 2q23.3.
Variant type: Deletion.
Coding change: c.24993_25000del on transcript NM_001164508.2 (MANE Select); coding-DNA positions 24993 to 25000, 8 bases deleted (TATTCAGA; older notation c.24993_25000delTATTCAGA).
Protein change: p.Ile8332fs; shifts the reading frame from isoleucine 8332.
Molecular consequence: frameshift variant.
Genome position (GRCh38, 1-based): chr2:151,492,155-151,492,162, TCTGAATA deleted on the plus strand (TATTCAGA on the coding strand, the reverse complement: NEB is on the minus strand). VCF-style (leftmost placement, unchanged base first): chr2-151492154-CTCTGAATA-C. GRCh37 (hg19) VCF-style: chr2-152348668-CTCTGAATA-C.
Other names: c.24993_25000del, p.Ile8332fs (NM_001164507.2); c.25098_25105del, p.Ile8367fs (NM_001271208.2); c.19425_19432del, p.Ile6476fs (NM_004543.5); short protein forms I6476fs, I8332fs, I8367fs.
Identifiers: ClinVar variation 4807505 (VCV004807505.1).

ClinVar aggregate classification (germline): Pathogenic (1 of 4 stars; one submission).

Conditions:
Nemaline myopathy 2 (NEM2). Also called: Nemaline myopathy 2, autosomal recessive. Identifiers: MedGen C1850569, MONDO:0009725, OMIM 256030.

Submission:

Labcorp Genetics (formerly Invitae), Labcorp
Classification: Pathogenic for Nemaline myopathy 2. Last evaluated: 2025-12-17. Review status: criteria provided, single submitter. Criteria: Invitae Variant Classification Sherloc (09022015). Collection method: clinical testing. Allele origin: germline.
Comment: This sequence change creates a premature translational stop signal (p.Ile8367Glufs*11) in the NEB gene. It is expected to result in an absent or disrupted protein product. Loss-of-function variants in NEB are known to be pathogenic (PMID: 25205138). This variant is not present in population databases (gnomAD no frequency). This variant has not been reported in the literature in individuals affected with NEB-related conditions. For these reasons, this variant has been classified as Pathogenic.

Literature cited by the submitters: PubMed 25205138.